The following is an entry in ClinVar:

ClinVar aggregate classification (germline): Uncertain significance. Review status: criteria provided, multiple submitters, no conflicts (2 of 4 stars). 4 submissions from 4 submitters: Uncertain significance (4). Last evaluated 2025-11-24.

Conditions:
Hereditary cancer-predisposing syndrome. Also called: Neoplastic Syndromes, Hereditary; Hereditary Cancer Syndrome; Tumor predisposition; Hereditary neoplastic syndrome. Identifiers: Orphanet 140162, MedGen C0027672, MeSH D009386, MONDO:0015356.
Oligodontia-cancer predisposition syndrome. Also called: TOOTH AGENESIS-COLORECTAL CANCER SYNDROME. Identifiers: Orphanet 300576, MedGen C1837750, MONDO:0012075, OMIM 608615. Disease mechanism: loss of function.

Allele frequency attached by ClinVar (database versions not stated): gnomAD exomes below 0.00001.
gnomAD v4.1: 1 of 1,614,162 alleles (0.000062%); highest among the groups gnomAD compares: Middle Eastern, 0.016%; no homozygotes.

Submissions (4):

Labcorp Genetics (formerly Invitae), Labcorp
Classification: Uncertain significance for Oligodontia-cancer predisposition syndrome. Last evaluated: 2025-11-24. Review status: criteria provided, single submitter. Criteria: Invitae Variant Classification Sherloc (09022015). Collection method: clinical testing. Allele origin: germline.
Comment: This sequence change replaces glycine, which is neutral and non-polar, with glutamic acid, which is acidic and polar, at codon 815 of the AXIN2 protein (p.Gly815Glu). This variant is not present in population databases (gnomAD no frequency). This variant has not been reported in the literature in individuals affected with AXIN2-related conditions. ClinVar contains an entry for this variant (Variation ID: 659761). Invitae Evidence Modeling of protein sequence and biophysical properties (such as structural, functional, and spatial information, amino acid conservation, physicochemical variation, residue mobility, and thermodynamic stability) indicates that this missense variant is expected to disrupt AXIN2 protein function with a positive predictive value of 80%. In summary, the available evidence is currently insufficient to determine the role of this variant in disease. Therefore, it has been classified as a Variant of Uncertain Significance.

Blueprint Genetics
Classification: Uncertain significance. Last evaluated: 2024-09-06. Review status: criteria provided, single submitter. Criteria: ACMG Guidelines, 2015. Collection method: clinical testing. Allele origin: germline.

CeGaT Center for Human Genetics Tuebingen
Classification: Uncertain significance. Last evaluated: 2024-04-01. Review status: criteria provided, single submitter. Criteria: CeGaT Center For Human Genetics Tuebingen Variant Classification Criteria Version 2. Collection method: clinical testing. Allele origin: germline. Affected: yes. Observed: 1 variant allele.
Comment: AXIN2: PM2

Ambry Genetics
Classification: Uncertain significance for Hereditary cancer-predisposing syndrome. Last evaluated: 2023-06-22. Review status: criteria provided, single submitter. Criteria: Ambry Variant Classification Scheme 2023. Collection method: clinical testing. Allele origin: germline.
Comment: The p.G815E variant (also known as c.2444G>A), located in coding exon 10 of the AXIN2 gene, results from a G to A substitution at nucleotide position 2444. The glycine at codon 815 is replaced by glutamic acid, an amino acid with similar properties. This amino acid position is highly conserved in available vertebrate species. In addition, this alteration is predicted to be deleterious by in silico analysis. Since supporting evidence is limited at this time, the clinical significance of this alteration remains unclear.

NM_004655.4(AXIN2):c.2444G>A (p.Gly815Glu)

Gene: AXIN2 (axin 2; minus strand). Cytogenetic location: 17q24.1.
Variant type: single nucleotide variant.
Coding change: c.2444G>A on transcript NM_004655.4 (MANE Select); coding-DNA position 2444, G replaced by A.
Protein change: p.Gly815Glu; replaces glycine 815 with glutamic acid.
Molecular consequence: missense variant.
Genome position (GRCh38, 1-based): chr17:65,530,064, C>T on the plus strand (G>A on the coding strand, the complement: AXIN2 is on the minus strand). VCF-style: chr17-65530064-C-T. GRCh37 (hg19) VCF-style: chr17-63526182-C-T.
Other names: c.2444G>A (LRG_296t1); c.2249G>A, p.Gly750Glu (NM_001363813.1); short protein forms G750E, G815E.
Identifiers: ClinVar variation 659761 (VCV000659761.41), dbSNP rs1598090004, ClinGen allele CA400674900.
Genomic context (GRCh38, chr17:65,530,064, plus strand): 5'-ATCCGGCCTTCATACATCGGGAGCACCGTCTCATCCTCCCAGATCTCCTCAAACACCGCT[C>T]CACAGGCAAACTCATCGCTTGCTTTTTTGAAGTAATACCTTAAAAGGAAAACCAAAAAAG-3'
Protein context (NP_004646.3, residues 805-825): FKKASDEFAC[Gly815Glu]AVFEEIWEDE